The following is an entry in ClinVar:

ClinVar aggregate classification (germline): Uncertain significance. Review status: criteria provided, multiple submitters, no conflicts (2 of 4 stars). 2 submissions from 2 submitters: Uncertain significance (2). Last evaluated 2026-02-17.

Conditions:
Inborn genetic diseases. Identifiers: MedGen C0950123, MeSH D030342.

gnomAD v4.1: 3 of 1,613,902 alleles (0.00019%); highest among the groups gnomAD compares: African/African-American, 0.0027%; no homozygotes.

Submissions (2):

Ambry Genetics
Classification: Uncertain significance for Inborn genetic diseases. Last evaluated: 2026-02-17. Review status: criteria provided, single submitter. Criteria: Ambry Variant Classification Scheme 2023. Collection method: clinical testing. Allele origin: germline.

GeneDx
Classification: Uncertain significance. Last evaluated: 2025-10-28. Review status: criteria provided, single submitter. Criteria: GeneDx Variant Classification Process June 2021. Collection method: clinical testing. Allele origin: germline.
Comment: Not observed at significant frequency in large population cohorts (gnomAD); In silico analysis is inconclusive as to whether the variant alters gene splicing. In the absence of RNA/functional studies, the actual effect of this sequence change is unknown.; In silico analysis suggests that this missense variant does not alter protein structure/function; Has not been previously published as pathogenic or benign to our knowledge

NM_001374385.1(ATP8B1):c.493G>A (p.Ala165Thr)

Gene: ATP8B1 (ATPase phospholipid transporting 8B1; minus strand). Cytogenetic location: 18q21.31.
Variant type: single nucleotide variant.
Coding change: c.493G>A on transcript NM_001374385.1 (MANE Select); coding-DNA position 493, G replaced by A.
Protein change: p.Ala165Thr; replaces alanine 165 with threonine.
Molecular consequence: missense variant.
Genome position (GRCh38, 1-based): chr18:57,701,100, C>T on the plus strand (G>A on the coding strand, the complement: ATP8B1 is on the minus strand). VCF-style: chr18-57701100-C-T. GRCh37 (hg19) VCF-style: chr18-55368332-C-T.
Other names: c.343G>A, p.Ala115Thr (NM_001374386.1); c.493G>A, p.Ala165Thr (NM_005603.6); short protein forms A115T, A165T.
Identifiers: ClinVar variation 4083085 (VCV004083085.3).